The following is an entry in ClinVar:

ClinVar aggregate classification (germline): Uncertain significance. Review status: criteria provided, multiple submitters, no conflicts (2 of 4 stars). 3 submissions from 3 submitters: Uncertain significance (3). Last evaluated 2025-09-02.

Conditions:
Inborn genetic diseases. Identifiers: MedGen C0950123, MeSH D030342.

Allele frequency attached by ClinVar (database versions not stated): ExAC 0.00001; gnomAD exomes 0.00002 and 0.00010; TOPMed 0.00004; gnomAD 0.00006 and 0.00007; ESP Exome Variant Server 0.00008.
gnomAD v4.1: 154 of 1,614,112 alleles (0.0095%); highest among the groups gnomAD compares: Non-Finnish European, 0.013%; no homozygotes.

Submissions (3):

Labcorp Genetics (formerly Invitae), Labcorp
Classification: Uncertain significance. Last evaluated: 2025-09-02. Review status: criteria provided, single submitter. Criteria: Invitae Variant Classification Sherloc (09022015). Collection method: clinical testing. Allele origin: germline.
Comment: This sequence change replaces serine, which is neutral and polar, with glycine, which is neutral and non-polar, at codon 729 of the TRPM1 protein (p.Ser729Gly). This variant is present in population databases (rs372933462, gnomAD 0.004%). This variant has not been reported in the literature in individuals affected with TRPM1-related conditions. ClinVar contains an entry for this variant (Variation ID: 933750). Invitae Evidence Modeling of protein sequence and biophysical properties (such as structural, functional, and spatial information, amino acid conservation, physicochemical variation, residue mobility, and thermodynamic stability) has been performed for this missense variant. However, the output from this modeling did not meet the statistical confidence thresholds required to predict the impact of this variant on TRPM1 protein function. In summary, the available evidence is currently insufficient to determine the role of this variant in disease. Therefore, it has been classified as a Variant of Uncertain Significance.

Ambry Genetics
Classification: Uncertain significance for Inborn genetic diseases. Last evaluated: 2025-09-01. Review status: criteria provided, single submitter. Criteria: Ambry Variant Classification Scheme 2023. Collection method: clinical testing. Allele origin: germline.

Blueprint Genetics
Classification: Uncertain significance. Last evaluated: 2023-10-17. Review status: criteria provided, single submitter. Criteria: ACMG Guidelines, 2015. Collection method: clinical testing. Allele origin: germline.

NM_001252024.2(TRPM1):c.2251A>G (p.Ser751Gly)

Gene: TRPM1 (transient receptor potential cation channel subfamily M member 1; minus strand). Cytogenetic location: 15q13.3.
Variant type: single nucleotide variant.
Coding change: c.2251A>G on transcript NM_001252024.2 (MANE Select); coding-DNA position 2251, A replaced by G.
Protein change: p.Ser751Gly; replaces serine 751 with glycine.
Molecular consequence: missense variant.
Genome position (GRCh38, 1-based): chr15:31,040,183, T>C on the plus strand (A>G on the coding strand, the complement: TRPM1 is on the minus strand). VCF-style: chr15-31040183-T-C. GRCh37 (hg19) VCF-style: chr15-31332386-T-C.
Other names: c.2302A>G, p.Ser768Gly (NM_001252020.2); c.2185A>G, p.Ser729Gly (NM_002420.6); c.2185A>G (NM_002420.4); short protein forms S751G, S729G, S768G.
Identifiers: ClinVar variation 933750 (VCV000933750.9), dbSNP rs372933462, ClinGen allele CA7452282.
Genomic context (GRCh38, chr15:31,040,183, plus strand): 5'-GGCCGGGGTTCTTCCGCATCCGCAGTCTTCCCATCCACATATCGGTCAGCAGCATCTGGC[T>C]GCAGGTGTGAGCAATGAAGTCCCGGTGTTTGGCTGCCACGGCCAGTTTGAGGCAGGTCGA-3'
Protein context (NP_001238953.1, residues 741-761): KHRDFIAHTC[Ser751Gly]QMLLTDMWMG